The following is an entry in ClinVar:

NM_005762.3(TRIM28):c.2183C>T (p.Thr728Ile)

Gene: TRIM28 (tripartite motif containing 28; plus strand). Cytogenetic location: 19q13.43.
Variant type: single nucleotide variant.
Coding change: c.2183C>T on transcript NM_005762.3 (MANE Select); coding-DNA position 2183, C replaced by T.
Protein change: p.Thr728Ile; replaces threonine 728 with isoleucine.
Molecular consequence: missense variant.
Genome position (GRCh38, 1-based): chr19:58,550,025, C>T. VCF-style: chr19-58550025-C-T. GRCh37 (hg19) VCF-style: chr19-59061392-C-T.
Other names: c.2183C>T (NM_005762.2); short protein forms T728I.
Identifiers: ClinVar variation 2754468 (VCV002754468.7), dbSNP rs139895246, ClinGen allele CA9719509.
Genomic context (GRCh38, chr19:58,550,025, plus strand): 5'-TGCTGGCCCTATTCTGTCACGAACCCTGCCGCCCCCTGCATCAGCTGGCTACCGACTCCA[C>T]CTTCTCCCTGGTGAGTCCTAGGATGGGAAAGGGGAAGGGGGTGGTGGCTGCTGGGTCTCG-3'
Protein context (NP_005753.1, residues 718-738): RPLHQLATDS[Thr728Ile]FSLDQPGGTL

ClinVar aggregate classification (germline): Likely benign. Review status: criteria provided, multiple submitters, no conflicts (2 of 4 stars). 3 submissions from 3 submitters: Likely benign (2). 1 of the submissions does not count toward it. Last evaluated 2026-04-01.

Conditions:
TRIM28-related disorder. Also called: TRIM28-related condition.

Allele frequency attached by ClinVar (database versions not stated): 1000 Genomes Project 30x 0.00016; 1000 Genomes Project 0.00020; TOPMed 0.00066; gnomAD 0.00070; ESP Exome Variant Server 0.00085; gnomAD exomes 0.00112; ExAC 0.00117.
gnomAD v4.1: 1,729 of 1,614,120 alleles (0.11%); highest among the groups gnomAD compares: South Asian, 0.13%; 5 homozygotes.

Submissions (3):

CeGaT Center for Human Genetics Tuebingen
Classification: Likely benign. Last evaluated: 2026-04-01. Review status: criteria provided, single submitter. Criteria: CeGaT Center For Human Genetics Tuebingen Variant Classification Criteria Version 2. Collection method: clinical testing. Allele origin: germline. Affected: yes. Observed: 1 variant allele.
Comment: TRIM28: BS1

Labcorp Genetics (formerly Invitae), Labcorp
Classification: Likely benign. Last evaluated: 2026-01-10. Review status: criteria provided, single submitter. Criteria: Invitae Variant Classification Sherloc (09022015). Collection method: clinical testing. Allele origin: germline.

PreventionGenetics, part of Exact Sciences
Classification: Likely benign for TRIM28-related condition. Last evaluated: 2021-06-15. Review status: no assertion criteria provided. Collection method: clinical testing. Allele origin: germline. Not counted in ClinVar's aggregate classification.
Comment: This variant is classified as likely benign based on ACMG/AMP sequence variant interpretation guidelines (Richards et al. 2015 PMID: 25741868, with internal and published modifications).